The following is an entry in ClinVar:

NM_001287491.2(TET3):c.1724C>A (p.Pro575His)

Gene: TET3 (tet methylcytosine dioxygenase 3; plus strand). Cytogenetic location: 2p13.1.
Variant type: single nucleotide variant.
Coding change: c.1724C>A on transcript NM_001287491.2 (MANE Select); coding-DNA position 1724, C replaced by A.
Protein change: p.Pro575His; replaces proline 575 with histidine.
Molecular consequence: missense variant.
Genome position (GRCh38, 1-based): chr2:74,047,641, C>A. VCF-style: chr2-74047641-C-A. GRCh37 (hg19) VCF-style: chr2-74274768-C-A.
Other names: c.1445C>A, p.Pro482His (NM_001366022.1); c.1319C>A, p.Pro440His (NM_144993.1); short protein forms P440H, P482H, P575H.
Identifiers: ClinVar variation 2662234 (VCV002662234.3), dbSNP rs199648682, ClinGen allele CA1718660.
Genomic context (GRCh38, chr2:74,047,641, plus strand): 5'-CTGCTCCTGGCTGGTGGCCCCCACCAAGTTCACCTGTCCCACGGCTTCCAGACAGACCAC[C>A]CAAGGAGAAGAAGAAGAAGCTCCCAACACCAGCTGGAGGTCCCGTGGGAACGGAGAAAGC-3'
Protein context (NP_001274420.1, residues 565-585): SPVPRLPDRP[Pro575His]KEKKKKLPTP

ClinVar aggregate classification (germline): Uncertain significance. Review status: criteria provided, multiple submitters, no conflicts (2 of 4 stars). 2 submissions from 2 submitters: Uncertain significance (2). Last evaluated 2025-12-11.

Allele frequency attached by ClinVar (database versions not stated): ESP Exome Variant Server 0.00025.
gnomAD v4.1: 359 of 1,613,408 alleles (0.022%); highest among the groups gnomAD compares: Non-Finnish European, 0.029%; no homozygotes.

Submissions (2):

Dasa
Classification: Uncertain significance. Last evaluated: 2025-12-11. Review status: criteria provided, single submitter. Criteria: DASA Assertion Criteria. Collection method: clinical testing. Allele origin: germline.
Comment: NM_001287491.2(TET3):c.1724C>A (p.Pro575His) is a missense variant that results in the substitution of proline with histidine. This variant is rare in population databases. Computational prediction algorithms are consistent with a benign effect. The currently available literature and clinical evidence are not sufficient to establish a definitive association between this variant and the reported condition. Therefore, this variant is classified as a variant of uncertain significance.

GeneDx
Classification: Uncertain significance. Last evaluated: 2023-05-04. Review status: criteria provided, single submitter. Criteria: GeneDx Variant Classification Process June 2021. Collection method: clinical testing. Allele origin: germline. Affected: yes.
Comment: In silico analysis supports that this missense variant does not alter protein structure/function; Has not been previously published as pathogenic or benign to our knowledge